The following is an entry in ClinVar:

ClinVar aggregate classification (germline): Uncertain significance (1 of 4 stars; one submission).

Conditions:
Primary ciliary dyskinesia. Also called: Ciliary dyskinesia. Identifiers: Orphanet 244, MedGen C0008780, MONDO:0016575, HP:0012265.

Submission:

Labcorp Genetics (formerly Invitae), Labcorp
Classification: Uncertain significance for Primary ciliary dyskinesia. Last evaluated: 2024-09-12. Review status: criteria provided, single submitter. Criteria: Invitae Variant Classification Sherloc (09022015). Collection method: clinical testing. Allele origin: germline.
Comment: This sequence change replaces lysine, which is basic and polar, with arginine, which is basic and polar, at codon 174 of the ZMYND10 protein (p.Lys174Arg). This variant is not present in population databases (gnomAD no frequency). This variant has not been reported in the literature in individuals affected with ZMYND10-related conditions. Invitae Evidence Modeling of protein sequence and biophysical properties (such as structural, functional, and spatial information, amino acid conservation, physicochemical variation, residue mobility, and thermodynamic stability) indicates that this missense variant is not expected to disrupt ZMYND10 protein function with a negative predictive value of 80%. In summary, the available evidence is currently insufficient to determine the role of this variant in disease. Therefore, it has been classified as a Variant of Uncertain Significance.

NM_015896.4(ZMYND10):c.521A>G (p.Lys174Arg)

Gene: ZMYND10 (zinc finger MYND-type containing 10; minus strand). Cytogenetic location: 3p21.31.
Variant type: single nucleotide variant.
Coding change: c.521A>G on transcript NM_015896.4 (MANE Select); coding-DNA position 521, A replaced by G.
Protein change: p.Lys174Arg; replaces lysine 174 with arginine.
Molecular consequence: missense variant.
Genome position (GRCh38, 1-based): chr3:50,343,196, T>C on the plus strand (A>G on the coding strand, the complement: ZMYND10 is on the minus strand). VCF-style: chr3-50343196-T-C. GRCh37 (hg19) VCF-style: chr3-50380627-T-C.
Other names: c.521A>G, p.Lys174Arg (NM_001308379.2); short protein forms K174R.
Identifiers: ClinVar variation 3686754 (VCV003686754.2).